The following is an entry in ClinVar:

ClinVar aggregate classification (germline): Pathogenic (1 of 4 stars; one submission).

Conditions:
Inborn genetic diseases. Identifiers: MedGen C0950123, MeSH D030342.

Submission:

Ambry Genetics
Classification: Pathogenic for Inborn genetic diseases. Last evaluated: 2021-02-23. Review status: criteria provided, single submitter. Criteria: Ambry Variant Classification Scheme 2023. Collection method: clinical testing. Allele origin: germline.
Comment: The c.186_240+98del153 variant results from a deletion of 153 nucleotides spanning the exon 2/intron 2 junction. This deletion includes the last 55 nucleotides of coding exon 2 and the first 98 nucleotides of intron 2, including the canonical splice donor site. This alteration has been observed in at least one individual with a personal and/or family history that is consistent with Mucopolysaccharidosis type II (MPS II; also called Hunter syndrome) (Ambry internal data). Alterations that disrupt the canonical splice site are expected to result in aberrant splicing. In silico splice site analysis predicts that this alteration may result in the creation or strengthening of a novel splice donor site. The resulting transcript is predicted to be in-frame and is not expected to trigger nonsense-mediated mRNAdecay; however, direct evidence is unavailable. The exact functional effect of the missing amino acids is unknown; however, the impacted region is critical for protein function (Ambry internal data). Based on the supporting evidence, this alteration is interpreted as a disease-causing mutation.

NM_000202.8(IDS):c.186_240+98del

Gene: IDS (iduronate 2-sulfatase; minus strand). Cytogenetic location: Xq28.
Variant type: Deletion.
Coding change: c.186_240+98del on transcript NM_000202.8 (MANE Select); coding-DNA position 186 through 98 bases into the intron after coding-DNA position 240, 153 bases deleted.
Molecular consequence: splice donor variant. On other transcripts: initiator codon variant (1).
Genome position (GRCh38, 1-based): chrX:149,504,059-149,504,211, 153 bases deleted. GRCh37 (hg19): chrX:148,585,590-148,585,742.
Other names: c.-41_14+98del (NM_001166550.4); c.186_240+98del (NM_006123.5).
Identifiers: ClinVar variation 1781488 (VCV001781488.3), dbSNP rs2520900006, ClinGen allele CA2580101703.